The following is an entry in ClinVar:

ClinVar aggregate classification (germline): Uncertain significance (1 of 4 stars; one submission).

Submission:

Labcorp Genetics (formerly Invitae), Labcorp
Classification: Uncertain significance. Last evaluated: 2021-11-11. Review status: criteria provided, single submitter. Criteria: Invitae Variant Classification Sherloc (09022015). Collection method: clinical testing. Allele origin: germline.
Comment: In summary, the available evidence is currently insufficient to determine the role of this variant in disease. Therefore, it has been classified as a Variant of Uncertain Significance. Algorithms developed to predict the effect of missense changes on protein structure and function (SIFT, PolyPhen-2, Align-GVGD) all suggest that this variant is likely to be disruptive. This variant has not been reported in the literature in individuals affected with CAPN5-related conditions. This variant is not present in population databases (gnomAD no frequency). This sequence change replaces arginine, which is basic and polar, with leucine, which is neutral and non-polar, at codon 460 of the CAPN5 protein (p.Arg460Leu).

NM_004055.5(CAPN5):c.1379G>T (p.Arg460Leu)

Gene: CAPN5 (calpain 5; plus strand). Cytogenetic location: 11q13.5.
Variant type: single nucleotide variant.
Coding change: c.1379G>T on transcript NM_004055.5 (MANE Select); coding-DNA position 1379, G replaced by T.
Protein change: p.Arg460Leu; replaces arginine 460 with leucine.
Molecular consequence: missense variant.
Genome position (GRCh38, 1-based): chr11:77,120,801, G>T. VCF-style: chr11-77120801-G-T. GRCh37 (hg19) VCF-style: chr11-76831847-G-T.
Other names: short protein forms R460L.
Identifiers: ClinVar variation 1491651 (VCV001491651.6), dbSNP rs373394985, ClinGen allele CA381943128.